The following is an entry in ClinVar:

ClinVar aggregate classification (germline): Uncertain significance (1 of 4 stars; one submission).

Conditions:
Charcot-Marie-Tooth disease dominant intermediate E. Also called: CHARCOT-MARIE-TOOTH NEUROPATHY WITH FOCAL SEGMENTAL GLOMERULONEPHRITIS. Identifiers: Orphanet 93114, MedGen C4302667, MONDO:0013758, OMIM 614455.
Focal segmental glomerulosclerosis 5 (FSGS5). Identifiers: Orphanet 656, MedGen C2750475, MONDO:0013191, OMIM 613237.

Allele frequency attached by ClinVar (database versions not stated): gnomAD exomes 0.00021.
gnomAD v4.1: 85 of 438,204 alleles (0.019%); highest among the groups gnomAD compares: Non-Finnish European, 0.029%; no homozygotes.

Submission:

Labcorp Genetics (formerly Invitae), Labcorp
Classification: Uncertain significance for Charcot-Marie-Tooth disease dominant intermediate E; Focal segmental glomerulosclerosis 5. Last evaluated: 2020-01-08. Review status: criteria provided, single submitter. Criteria: Invitae Variant Classification Sherloc (09022015). Collection method: clinical testing. Allele origin: germline.
Comment: In summary, the available evidence is currently insufficient to determine the role of this variant in disease. Therefore, it has been classified as a Variant of Uncertain Significance. This variant has not been reported in the literature in individuals with INF2-related conditions. The frequency data for this variant in the population databases is considered unreliable, as metrics indicate insufficient coverage at this position in the ExAC database. This sequence change replaces leucine with arginine at codon 506 of the INF2 protein (p.Leu506Arg). The leucine residue is weakly conserved and there is a moderate physicochemical difference between leucine and arginine.

NM_022489.4(INF2):c.1517T>G (p.Leu506Arg)

Gene: INF2 (inverted formin 2; plus strand). Cytogenetic location: 14q32.33.
Variant type: single nucleotide variant.
Coding change: c.1517T>G on transcript NM_022489.4 (MANE Select); coding-DNA position 1517, T replaced by G.
Protein change: p.Leu506Arg; replaces leucine 506 with arginine.
Molecular consequence: missense variant.
Genome position (GRCh38, 1-based): chr14:104,707,784, T>G. VCF-style: chr14-104707784-T-G. GRCh37 (hg19) VCF-style: chr14-105174121-T-G.
Other names: c.1517T>G, p.Leu506Arg (NM_001031714.4); short protein forms L506R.
Identifiers: ClinVar variation 1016320 (VCV001016320.8), dbSNP rs1160363735, ClinGen allele CA391217364.